The following is an entry in ClinVar:

ClinVar aggregate classification (germline): Benign (0 of 4 stars; one submission).

Conditions:
WEE2-related disorder. Also called: WEE2-related condition.

Allele frequency attached by ClinVar (database versions not stated): gnomAD exomes 0.51485; 1000 Genomes Project 30x 0.58104; ExAC 0.53327; 1000 Genomes Project 0.57188; TOPMed 0.57299; ESP Exome Variant Server 0.58587; gnomAD 0.57128.
gnomAD v4.1: 839,272 of 1,613,268 alleles (52%); highest among the groups gnomAD compares: African/African-American, 75%; 221,967 homozygotes.

Submission:

PreventionGenetics, part of Exact Sciences
Classification: Benign for WEE2-related condition. Last evaluated: 2019-10-18. Review status: no assertion criteria provided. Collection method: clinical testing. Allele origin: germline.
Comment: This variant is classified as benign based on ACMG/AMP sequence variant interpretation guidelines (Richards et al. 2015 PMID: 25741868, with internal and published modifications).

NM_001105558.1(WEE2):c.792A>G (p.Ala264=)

Genes: WEE2 (WEE2 oocyte meiosis inhibiting kinase; plus strand), WEE2-AS1 (WEE2 antisense RNA 1; minus strand). Cytogenetic location: 7q34.
Variant type: single nucleotide variant.
Coding change: c.792A>G on transcript NM_001105558.1 (MANE Select); coding-DNA position 792, A replaced by G.
Protein change: p.Ala264=; no amino-acid change (alanine 264 retained).
Molecular consequence: synonymous variant.
Genome position (GRCh38, 1-based): chr7:141,720,968, A>G. VCF-style: chr7-141720968-A-G. GRCh37 (hg19) VCF-style: chr7-141420768-A-G.
Identifiers: ClinVar variation 3059633 (VCV003059633.2), dbSNP rs6967301, ClinGen allele CA4518326.